The following is an entry in ClinVar:

ClinVar aggregate classification (germline): Uncertain significance. Review status: criteria provided, multiple submitters, no conflicts (2 of 4 stars). 2 submissions from 2 submitters: Uncertain significance (2). Last evaluated 2024-10-21.

Conditions:
Inborn genetic diseases. Identifiers: MedGen C0950123, MeSH D030342.

Allele frequency attached by ClinVar (database versions not stated): gnomAD 0.00001; gnomAD exomes 0.00001; TOPMed 0.00001; ESP Exome Variant Server 0.00008; ExAC 0.00001.
gnomAD v4.1: 19 of 1,613,312 alleles (0.0012%); highest among the groups gnomAD compares: East Asian, 0.0022%; no homozygotes.

Submissions (2):

Labcorp Genetics (formerly Invitae), Labcorp
Classification: Uncertain significance. Last evaluated: 2024-10-21. Review status: criteria provided, single submitter. Criteria: Invitae Variant Classification Sherloc (09022015). Collection method: clinical testing. Allele origin: germline.
Comment: This sequence change replaces alanine, which is neutral and non-polar, with valine, which is neutral and non-polar, at codon 241 of the IGF1R protein (p.Ala241Val). This variant is present in population databases (rs148823172, gnomAD 0.0009%). This variant has not been reported in the literature in individuals affected with IGF1R-related conditions. ClinVar contains an entry for this variant (Variation ID: 1965393). Invitae Evidence Modeling of protein sequence and biophysical properties (such as structural, functional, and spatial information, amino acid conservation, physicochemical variation, residue mobility, and thermodynamic stability) indicates that this missense variant is not expected to disrupt IGF1R protein function with a negative predictive value of 80%. In summary, the available evidence is currently insufficient to determine the role of this variant in disease. Therefore, it has been classified as a Variant of Uncertain Significance.

Ambry Genetics
Classification: Uncertain significance for Inborn genetic diseases. Last evaluated: 2021-10-01. Review status: criteria provided, single submitter. Criteria: Ambry Variant Classification Scheme 2023. Collection method: clinical testing. Allele origin: germline.

NM_000875.5(IGF1R):c.722C>T (p.Ala241Val)

Gene: IGF1R (insulin like growth factor 1 receptor; plus strand). Cytogenetic location: 15q26.3.
Variant type: single nucleotide variant.
Coding change: c.722C>T on transcript NM_000875.5 (MANE Select); coding-DNA position 722, C replaced by T.
Protein change: p.Ala241Val; replaces alanine 241 with valine.
Molecular consequence: missense variant.
Genome position (GRCh38, 1-based): chr15:98,891,406, C>T. VCF-style: chr15-98891406-C-T. GRCh37 (hg19) VCF-style: chr15-99434635-C-T.
Other names: c.722C>T, p.Ala241Val (NM_001291858.2); short protein forms A241V.
Identifiers: ClinVar variation 1965393 (VCV001965393.6), dbSNP rs148823172, ClinGen allele CA7751880.
Genomic context (GRCh38, chr15:98,891,406, plus strand): 5'-AGCGGGCGTGCACCGAGAACAATGAGTGCTGCCACCCCGAGTGCCTGGGCAGCTGCAGCG[C>T]GCCTGACAACGACACGGCCTGTGTAGCTTGCCGCCACTACTACTATGCCGGTGTCTGTGT-3'
Protein context (NP_000866.1, residues 231-251): CHPECLGSCS[Ala241Val]PDNDTACVAC